The following is an entry in ClinVar:

ClinVar aggregate classification (germline): Likely pathogenic (1 of 4 stars; one submission).

Conditions:
SLC2A2-related disorder. Also called: SLC2A2-related condition.

Allele frequency attached by ClinVar (database versions not stated): gnomAD exomes 0.00002.

Submission:

PreventionGenetics, part of Exact Sciences
Classification: Likely pathogenic for SLC2A2-related condition. Last evaluated: 2023-01-30. Review status: criteria provided, single submitter. Criteria: ACMG Guidelines, 2015. Collection method: clinical testing. Allele origin: germline.
Comment: The SLC2A2 c.7G>T variant is predicted to result in premature protein termination (p.Glu3*). To our knowledge, this variant has not been reported in the literature or in a large population database, indicating this variant is rare. Nonsense variants in SLC2A2 are expected to be pathogenic. This variant is interpreted as likely pathogenic.

NM_000340.2(SLC2A2):c.7G>T (p.Glu3Ter)

Gene: SLC2A2 (solute carrier family 2 member 2; minus strand). Cytogenetic location: 3q26.2.
Variant type: single nucleotide variant.
Coding change: c.7G>T on transcript NM_000340.2 (MANE Select); coding-DNA position 7, G replaced by T.
Protein change: p.Glu3Ter; replaces glutamic acid 3 with a stop codon.
Molecular consequence: nonsense. On other transcripts: 5 prime UTR variant (2).
Genome position (GRCh38, 1-based): chr3:171,026,664, C>A on the plus strand (G>T on the coding strand, the complement: SLC2A2 is on the minus strand). VCF-style: chr3-171026664-C-A. GRCh37 (hg19) VCF-style: chr3-170744453-C-A.
Other names: c.-88G>T (NM_001278658.2); c.-388G>T (NM_001278659.2); short protein forms E3*.
Identifiers: ClinVar variation 2630306 (VCV002630306.1), dbSNP rs2473935676, ClinGen allele CA355481275.